The following is an entry in ClinVar:

ClinVar aggregate classification (germline): Likely benign (1 of 4 stars; one submission).

Allele frequency attached by ClinVar (database versions not stated): 1000 Genomes Project 30x 0.00141; 1000 Genomes Project 0.00160; ESP Exome Variant Server 0.00299; ExAC 0.00405.
gnomAD v4.1: 5,021 of 1,555,936 alleles (0.32%); highest among the groups gnomAD compares: Non-Finnish European, 0.4%; 6 homozygotes.

Submission:

CeGaT Center for Human Genetics Tuebingen
Classification: Likely benign. Last evaluated: 2024-01-01. Review status: criteria provided, single submitter. Criteria: CeGaT Center For Human Genetics Tuebingen Variant Classification Criteria Version 2. Collection method: clinical testing. Allele origin: germline. Affected: yes. Observed: 1 variant allele.
Comment: TMEM245: BS2

NM_032012.4(TMEM245):c.221A>G (p.Tyr74Cys)

Gene: TMEM245 (transmembrane protein 245; minus strand). Cytogenetic location: 9q31.3.
Variant type: single nucleotide variant.
Coding change: c.221A>G on transcript NM_032012.4 (MANE Select); coding-DNA position 221, A replaced by G.
Protein change: p.Tyr74Cys; replaces tyrosine 74 with cysteine.
Molecular consequence: missense variant.
Genome position (GRCh38, 1-based): chr9:109,119,693, T>C on the plus strand (A>G on the coding strand, the complement: TMEM245 is on the minus strand). VCF-style: chr9-109119693-T-C. GRCh37 (hg19) VCF-style: chr9-111881973-T-C.
Other names: short protein forms Y74C.
Identifiers: ClinVar variation 3024932 (VCV003024932.22), dbSNP rs145560454, ClinGen allele CA5177214.